The following is an entry in ClinVar:

ClinVar aggregate classification (germline): Conflicting classifications of pathogenicity. Review status: criteria provided, conflicting classifications (1 of 4 stars). 4 submissions from 4 submitters: Uncertain significance (3); Likely benign (1). Last evaluated 2025-11-02.

Conditions:
Hereditary cancer-predisposing syndrome. Also called: Neoplastic Syndromes, Hereditary; Tumor predisposition; Hereditary Cancer Syndrome; Hereditary neoplastic syndrome. Identifiers: Orphanet 140162, MedGen C0027672, MeSH D009386, MONDO:0015356.
Gorlin syndrome. Also called: Nevoid Basal Cell Carcinoma Syndrome; Basal cell nevus syndrome. Identifiers: Orphanet 377, MedGen C0004779, MONDO:0007187.
PTCH1-related disorder. Also called: PTCH1-related disorders; PTCH1-related condition.

Allele frequency attached by ClinVar (database versions not stated): TOPMed 0.00002; gnomAD 0.00003; ESP Exome Variant Server 0.00008.
gnomAD v4.1: 4 of 1,613,392 alleles (0.00025%); highest among the groups gnomAD compares: African/African-American, 0.0027%; no homozygotes.

Submissions (4):

PreventionGenetics, part of Exact Sciences
Classification: Uncertain significance for PTCH1-related condition. Last evaluated: 2025-11-02. Review status: criteria provided, single submitter. Criteria: ACMG Guidelines, 2015. Collection method: clinical testing. Allele origin: germline.
Comment: The PTCH1 c.4144C>T variant is predicted to result in the amino acid substitution p.His1382Tyr. To our knowledge, this variant has not been reported in the literature. This variant is reported in 0.012% of alleles in individuals of African descent in gnomAD and is classified as uncertain in ClinVar (Variation ID: 409219). At this time, the clinical significance of this variant is uncertain due to the absence of conclusive functional and genetic evidence.

Labcorp Genetics (formerly Invitae), Labcorp
Classification: Uncertain significance for Gorlin syndrome. Last evaluated: 2025-10-14. Review status: criteria provided, single submitter. Criteria: Invitae Variant Classification Sherloc (09022015). Collection method: clinical testing. Allele origin: germline.
Comment: This sequence change replaces histidine, which is basic and polar, with tyrosine, which is neutral and polar, at codon 1382 of the PTCH1 protein (p.His1382Tyr). This variant is present in population databases (rs377484697, gnomAD 0.01%). This variant has not been reported in the literature in individuals affected with PTCH1-related conditions. ClinVar contains an entry for this variant (Variation ID: 409219). Invitae Evidence Modeling of protein sequence and biophysical properties (such as structural, functional, and spatial information, amino acid conservation, physicochemical variation, residue mobility, and thermodynamic stability) has been performed for this missense variant. However, the output from this modeling did not meet the statistical confidence thresholds required to predict the impact of this variant on PTCH1 protein function. In summary, the available evidence is currently insufficient to determine the role of this variant in disease. Therefore, it has been classified as a Variant of Uncertain Significance.

Ambry Genetics
Classification: Likely benign for Hereditary cancer-predisposing syndrome. Last evaluated: 2025-07-01. Review status: criteria provided, single submitter. Criteria: Ambry Variant Classification Scheme 2023. Collection method: clinical testing. Allele origin: germline.

Quest Diagnostics Nichols Institute San Juan Capistrano
Classification: Uncertain significance. Last evaluated: 2025-04-17. Review status: criteria provided, single submitter. Criteria: Quest Diagnostics criteria. Collection method: clinical testing. Allele origin: unknown.
Comment: The PTCH1 c.4144C>T (p.His1382Tyr) variant has not been reported in individuals with PTCH1-related conditions in the published literature. The frequency of this variant in the general population (Genome Aggregation Database) is uninformative in the assessment of its pathogenicity. Analysis of this variant using bioinformatics tools for the prediction of the effect of amino acid changes on protein structure and function yielded predictions that this variant is benign. Based on the available information, we are unable to determine the clinical significance of this variant.

NM_000264.5(PTCH1):c.4144C>T (p.His1382Tyr)

Gene: PTCH1 (patched 1; minus strand). Cytogenetic location: 9q22.32.
Variant type: single nucleotide variant.
Coding change: c.4144C>T on transcript NM_000264.5 (MANE Select); coding-DNA position 4144, C replaced by T.
Protein change: p.His1382Tyr; replaces histidine 1382 with tyrosine.
Molecular consequence: missense variant. On other transcripts: non-coding transcript variant (1).
Genome position (GRCh38, 1-based): chr9:95,447,112, G>A on the plus strand (C>T on the coding strand, the complement: PTCH1 is on the minus strand). VCF-style: chr9-95447112-G-A. GRCh37 (hg19) VCF-style: chr9-98209394-G-A.
Other names: c.3946C>T, p.His1316Tyr (NM_001083602.3); c.4141C>T, p.His1381Tyr (NM_001083603.3); c.3691C>T, p.His1231Tyr (NM_001083604.3, NM_001083605.3, NM_001083606.3 and 1 more transcripts); c.3988C>T, p.His1330Tyr (NM_001354918.2); c.4144C>T (NM_000264.4); short protein forms H1382Y, H1316Y, H1381Y, H1231Y, H1330Y.
Identifiers: ClinVar variation 409219 (VCV000409219.15), dbSNP rs377484697, ClinGen allele CA16612902.
Genomic context (GRCh38, chr9:95,447,112, plus strand): 5'-GGTAGCCTGGGCAGAGTCCCCCTCGGGGGTTCCGCCCAGGCCCAGGGACAGGCGGCGGGT[G>A]CACGGCGACAGTCACGGAGGCAGAAGCCGTCACAGTGGTGATGGGCTGGCAGTAGCCGGG-3'
Protein context (NP_000255.2, residues 1372-1392): TASASVTVAV[His1382Tyr]PPPVPGPGRN